The following is an entry in ClinVar:

NM_001384125.1(BLTP1):c.3263del (p.His1088fs)

Gene: BLTP1 (bridge-like lipid transfer protein family member 1; plus strand). Cytogenetic location: 4q27.
Variant type: Deletion.
Coding change: c.3263del on transcript NM_001384125.1 (MANE Select); coding-DNA position 3263, one base deleted (A; older notation c.3263delA).
Protein change: p.His1088fs; shifts the reading frame from histidine 1088.
Molecular consequence: frameshift variant.
Genome position (GRCh38, 1-based): chr4:122,230,151, A deleted. VCF-style (leftmost placement, unchanged base first): chr4-122230150-CA-C. GRCh37 (hg19) VCF-style: chr4-123151305-CA-C.
Other names: c.3263del, p.His1088fs (NM_015312.4); short protein forms H1088fs.
Identifiers: ClinVar variation 1030489 (VCV001030489.4), dbSNP rs1245182875, ClinGen allele CA786376368.

ClinVar aggregate classification (germline): Pathogenic (1 of 4 stars; one submission).

Conditions:
Alkuraya-Kucinskas syndrome. Identifiers: Orphanet 610569, MedGen C4693347, MONDO:0060631, OMIM 617822.

Allele frequency attached by ClinVar (database versions not stated): TOPMed below 0.00001 and 0.00001; gnomAD 0.00001.

Submission:

Baylor Genetics
Classification: Pathogenic for Alkuraya-Kucinskas syndrome. Last evaluated: 2019-02-13. Review status: criteria provided, single submitter. Criteria: ACMG Guidelines, 2015. Collection method: clinical testing. Allele origin: paternal. Affected: yes.
Comment: This variant was determined to be pathogenic according to ACMG Guidelines, 2015 [PMID:25741868].